The following is an entry in ClinVar:

ClinVar aggregate classification (germline): Uncertain significance (1 of 4 stars; one submission).

Conditions:
Acromesomelic dysplasia 1, Maroteaux type (AMD1). Also called: ACROMESOMELIC DYSPLASIA 1; ST. HELENA DYSPLASIA. Identifiers: Orphanet 40, MedGen C1864356, MONDO:0011275, OMIM 602875.
Tall stature-scoliosis-macrodactyly of the great toes syndrome. Also called: Epiphyseal chondrodysplasia, miura type. Identifiers: Orphanet 329191, MedGen C4014690, MONDO:0014401, OMIM 615923.

Allele frequency attached by ClinVar (database versions not stated): gnomAD exomes below 0.00001.

Submission:

Labcorp Genetics (formerly Invitae), Labcorp
Classification: Uncertain significance for Tall stature-scoliosis-macrodactyly of the great toes syndrome; Acromesomelic dysplasia 1, Maroteaux type. Last evaluated: 2021-10-29. Review status: criteria provided, single submitter. Criteria: Invitae Variant Classification Sherloc (09022015). Collection method: clinical testing. Allele origin: germline.
Comment: This sequence change replaces arginine, which is basic and polar, with glutamine, which is neutral and polar, at codon 65 of the NPR2 protein (p.Arg65Gln). This variant is not present in population databases (gnomAD no frequency). This variant has not been reported in the literature in individuals affected with NPR2-related conditions. Algorithms developed to predict the effect of missense changes on protein structure and function (SIFT, PolyPhen-2, Align-GVGD) all suggest that this variant is likely to be tolerated. Algorithms developed to predict the effect of sequence changes on RNA splicing suggest that this variant may create or strengthen a splice site. In summary, the available evidence is currently insufficient to determine the role of this variant in disease. Therefore, it has been classified as a Variant of Uncertain Significance.

NM_003995.4(NPR2):c.194G>A (p.Arg65Gln)

Gene: NPR2 (natriuretic peptide receptor 2; plus strand). Cytogenetic location: 9p13.3.
Variant type: single nucleotide variant.
Coding change: c.194G>A on transcript NM_003995.4 (MANE Select); coding-DNA position 194, G replaced by A.
Protein change: p.Arg65Gln; replaces arginine 65 with glutamine.
Molecular consequence: missense variant.
Genome position (GRCh38, 1-based): chr9:35,792,602, G>A. VCF-style: chr9-35792602-G-A. GRCh37 (hg19) VCF-style: chr9-35792599-G-A.
Other names: c.194G>A, p.Arg65Gln (NM_001378923.1); short protein forms R65Q.
Identifiers: ClinVar variation 1481027 (VCV001481027.6), dbSNP rs1161458774, ClinGen allele CA373362114.